The following is an entry in ClinVar:

ClinVar aggregate classification (germline): Uncertain significance (1 of 4 stars; one submission).

Conditions:
Megalencephaly-polymicrogyria-postaxial polydactyly-hydrocephalus syndrome. Also called: MPPH Syndrome; MEG-PMG-MEGACC SYNDROME. Identifiers: Orphanet 83473, MedGen C1863924, MONDO:0019375.

Allele frequency attached by ClinVar (database versions not stated): ExAC 0.00002; TOPMed 0.00002; 1000 Genomes Project 30x 0.00016; 1000 Genomes Project 0.00020.
gnomAD v4.1: 10 of 1,613,550 alleles (0.00062%); highest among the groups gnomAD compares: East Asian, 0.0022%; no homozygotes.

Submission:

Labcorp Genetics (formerly Invitae), Labcorp
Classification: Uncertain significance for Megalencephaly-polymicrogyria-postaxial polydactyly-hydrocephalus syndrome. Last evaluated: 2024-10-23. Review status: criteria provided, single submitter. Criteria: Invitae Variant Classification Sherloc (09022015). Collection method: clinical testing. Allele origin: germline.
Comment: This sequence change replaces glutamic acid, which is acidic and polar, with lysine, which is basic and polar, at codon 116 of the PIK3R2 protein (p.Glu116Lys). This variant is present in population databases (rs553673157, gnomAD 0.003%). This variant has not been reported in the literature in individuals affected with PIK3R2-related conditions. ClinVar contains an entry for this variant (Variation ID: 2046407). Invitae Evidence Modeling of protein sequence and biophysical properties (such as structural, functional, and spatial information, amino acid conservation, physicochemical variation, residue mobility, and thermodynamic stability) indicates that this missense variant is expected to disrupt PIK3R2 protein function with a positive predictive value of 95%. In summary, the available evidence is currently insufficient to determine the role of this variant in disease. Therefore, it has been classified as a Variant of Uncertain Significance.

NM_005027.4(PIK3R2):c.346G>A (p.Glu116Lys)

Gene: PIK3R2 (phosphoinositide-3-kinase regulatory subunit 2; plus strand). Cytogenetic location: 19p13.11.
Variant type: single nucleotide variant.
Coding change: c.346G>A on transcript NM_005027.4 (MANE Select); coding-DNA position 346, G replaced by A.
Protein change: p.Glu116Lys; replaces glutamic acid 116 with lysine.
Molecular consequence: missense variant. On other transcripts: non-coding transcript variant (2).
Genome position (GRCh38, 1-based): chr19:18,160,494, G>A. VCF-style: chr19-18160494-G-A. GRCh37 (hg19) VCF-style: chr19-18271304-G-A.
Other names: short protein forms E116K.
Identifiers: ClinVar variation 2046407 (VCV002046407.4), dbSNP rs553673157, ClinGen allele CA9306724.
Genomic context (GRCh38, chr19:18,160,494, plus strand): 5'-CCCCACCAACATGCAACCCCCCTGTTTCCCCCACCAGGCCTCACACTCCCCGACTTGCCC[G>A]AGCAGTTCTCCCCACCTGATGTGGCTCCCCCTCTTCTGGTGAAGCTTGTGGAGGCCATTG-3'
Protein context (NP_005018.2, residues 106-126): EPGLTLPDLP[Glu116Lys]QFSPPDVAPP